The following is an entry in ClinVar:

NM_000642.3(AGL):c.1177C>T (p.Gln393Ter)

Gene: AGL (amylo-alpha-1,6-glucosidase and 4-alpha-glucanotransferase; plus strand). Cytogenetic location: 1p21.2.
Variant type: single nucleotide variant.
Coding change: c.1177C>T on transcript NM_000642.3 (MANE Select); coding-DNA position 1177, C replaced by T.
Protein change: p.Gln393Ter; replaces glutamine 393 with a stop codon.
Molecular consequence: nonsense.
Genome position (GRCh38, 1-based): chr1:99,875,248, C>T. VCF-style: chr1-99875248-C-T. GRCh37 (hg19) VCF-style: chr1-100340804-C-T.
Other names: c.1177C>T, p.Gln393Ter (NM_000028.3, NM_000643.3, NM_000644.3 and 2 more transcripts); c.1129C>T, p.Gln377Ter (NM_000646.3); c.973C>T, p.Gln325Ter (NM_001425328.1, NM_001425329.1); c.799C>T, p.Gln267Ter (NM_001425332.1); short protein forms Q267*, Q325*, Q377*, Q393*.
Identifiers: ClinVar variation 3241180 (VCV003241180.3), dbSNP rs2524600033.

ClinVar aggregate classification (germline): Pathogenic. Review status: criteria provided, multiple submitters, no conflicts (2 of 4 stars). 3 submissions from 3 submitters: Pathogenic (3). Last evaluated 2025-11-11.

Conditions:
AGL-related disorder. Also called: AGL-related condition.
Glycogen storage disease type III (GSD3). Also called: FORBES DISEASE; Cori disease. Identifiers: Orphanet 366, MedGen C0017922, MONDO:0009291, OMIM 232400.

Submissions (3):

3billion
Classification: Pathogenic for AGL-related disorder. Last evaluated: 2025-11-11. Review status: criteria provided, single submitter. Criteria: ACMG Guidelines, 2015. Collection method: clinical testing. Allele origin: germline. Affected: yes.
Comment: The variant is not observed in the gnomAD v4.1.0 dataset. Predicted Consequence/Location: Stop-gained (nonsense): predicted to result in a loss or disruption of normal protein function through nonsense-mediated decay (NMD) or protein truncation. Multiple pathogenic variants are reported downstream of the variant. The variant has been reported to be associated with AGL-related disorder (ClinVar ID: VCV003241180 /PMID: 19951495). Therefore, this variant is classified as Pathogenic according to the recommendation of ACMG/AMP guideline.

Natera, Inc.
Classification: Pathogenic for Glycogen storage disease type III. Last evaluated: 2024-12-09. Review status: criteria provided, single submitter. Criteria: Natera Variant Classification Schema (03/2026). Collection method: clinical testing. Allele origin: germline.
Comment: The c.1177C>T variant in AGL is a nonsense variant predicted to introduce a stop codon at amino acid 393. This variant is expected to result in nonsense mediated decay, truncation, or a dysfunctional protein product. This variant is rare in the general population with a frequency below the threshold expected for the associated phenotype(s). This variant has been observed in one or more individuals affected with the associated recessive disease, as either homozygous or compound heterozygous with a second variant (PMID: 26984562). Given the available evidence, this variant is classified as Pathogenic.

Baylor Genetics
Classification: Pathogenic for Glycogen storage disease type III. Last evaluated: 2023-12-10. Review status: criteria provided, single submitter. Criteria: ACMG Guidelines, 2015. Collection method: clinical testing. Allele origin: unknown.

Literature cited by the submitters: PubMed 19951495 (cited by 3billion); PubMed 26984562 (cited by Natera, Inc.).